The following is an entry in ClinVar:

NM_194248.3(OTOF):c.727A>T (p.Lys243Ter)

Gene: OTOF (otoferlin; minus strand). Cytogenetic location: 2p23.3.
Variant type: single nucleotide variant.
Coding change: c.727A>T on transcript NM_194248.3 (MANE Select); coding-DNA position 727, A replaced by T.
Protein change: p.Lys243Ter; replaces lysine 243 with a stop codon.
Molecular consequence: nonsense.
Genome position (GRCh38, 1-based): chr2:26,501,792, T>A on the plus strand (A>T on the coding strand, the complement: OTOF is on the minus strand). VCF-style: chr2-26501792-T-A. GRCh37 (hg19) VCF-style: chr2-26724660-T-A.
Other names: c.727A>T, p.Lys243Ter (NM_001287489.2); short protein forms K243*.
Identifiers: ClinVar variation 2763566 (VCV002763566.3), dbSNP rs2465317833, ClinGen allele CA346138745.

ClinVar aggregate classification (germline): Pathogenic (1 of 4 stars; one submission).

Submission:

Labcorp Genetics (formerly Invitae), Labcorp
Classification: Pathogenic. Last evaluated: 2023-09-27. Review status: criteria provided, single submitter. Criteria: Invitae Variant Classification Sherloc (09022015). Collection method: clinical testing. Allele origin: germline.
Comment: For these reasons, this variant has been classified as Pathogenic. Algorithms developed to predict the effect of sequence changes on RNA splicing suggest that this variant may disrupt the consensus splice site. This variant has not been reported in the literature in individuals affected with OTOF-related conditions. This variant is not present in population databases (gnomAD no frequency). This sequence change creates a premature translational stop signal (p.Lys243*) in the OTOF gene. It is expected to result in an absent or disrupted protein product. Loss-of-function variants in OTOF are known to be pathogenic (PMID: 18381613, 19250381, 22575033).

Literature cited by the submitters: PubMed 18381613; PubMed 19250381; PubMed 22575033.